The following is an entry in ClinVar:

ClinVar aggregate classification (germline): Uncertain significance (1 of 4 stars; one submission).

Conditions:
Joubert syndrome 23 (JBTS23). Identifiers: Orphanet 475, MedGen C4084822, MONDO:0014664, OMIM 616490.
Short-rib thoracic dysplasia 14 with polydactyly (SRTD14). Identifiers: Orphanet 397715, MedGen C4225286, MONDO:0014688, OMIM 616546.

Submission:

Labcorp Genetics (formerly Invitae), Labcorp
Classification: Uncertain significance for Joubert syndrome 23; Short-rib thoracic dysplasia 14 with polydactyly. Last evaluated: 2022-04-24. Review status: criteria provided, single submitter. Criteria: Invitae Variant Classification Sherloc (09022015). Collection method: clinical testing. Allele origin: germline.
Comment: In summary, the available evidence is currently insufficient to determine the role of this variant in disease. Therefore, it has been classified as a Variant of Uncertain Significance. Algorithms developed to predict the effect of missense changes on protein structure and function output the following: SIFT: "Tolerated"; PolyPhen-2: "Benign"; Align-GVGD: "Class C0". The alanine amino acid residue is found in multiple mammalian species, which suggests that this missense change does not adversely affect protein function. This variant has not been reported in the literature in individuals affected with KIAA0586-related conditions. This variant is not present in population databases (gnomAD no frequency). This sequence change replaces threonine, which is neutral and polar, with alanine, which is neutral and non-polar, at codon 1590 of the KIAA0586 protein (p.Thr1590Ala).

NM_001329943.3(KIAA0586):c.4524A>G (p.Ser1508=)

Gene: KIAA0586 (KIAA0586; plus strand). Cytogenetic location: 14q23.1.
Variant type: single nucleotide variant.
Coding change: c.4524A>G on transcript NM_001329943.3 (MANE Select); coding-DNA position 4524, A replaced by G.
Protein change: p.Ser1508=; no amino-acid change (serine 1508 retained).
Molecular consequence: synonymous variant. On other transcripts: missense variant (2).
Genome position (GRCh38, 1-based): chr14:58,547,809, A>G. VCF-style: chr14-58547809-A-G. GRCh37 (hg19) VCF-style: chr14-59014527-A-G.
Other names: c.4768A>G, p.Thr1590Ala (NM_001244189.2); c.4479A>G, p.Ser1493= (NM_001244190.2); c.4269A>G, p.Ser1423= (NM_001244191.2, NM_001364701.2); c.4392A>G, p.Ser1464= (NM_001244192.2, NM_001329947.2); c.4609A>G, p.Thr1537Ala (NM_001329944.2); c.4203A>G, p.Ser1401= (NM_001329945.2); c.4458A>G, p.Ser1486= (NM_001329946.2); c.4296A>G, p.Ser1432= (NM_014749.5); short protein forms T1537A, T1590A.
Identifiers: ClinVar variation 2130251 (VCV002130251.4), dbSNP rs2544643293, ClinGen allele CA390059295.
Genomic context (GRCh38, chr14:58,547,809, plus strand): 5'-TGTTGAGCTGAATGAGCTTCTCCTTTGTGCAGGTGGGAAAGCAGTGCCACTCTCCGCTTC[A>G]CAGATGCCCCCTGCCAAGATGTCAGTGATGCTGCCGTCAGTGAACCTCGAGGACTGCTCT-3'
Protein context (NP_001316872.1, residues 1498-1518): SGGKAVPLSA[Ser1508=]QMPPAKMSVM